The following is an entry in ClinVar:

ClinVar aggregate classification (germline): Uncertain significance. Review status: criteria provided, multiple submitters, no conflicts (2 of 4 stars). 3 submissions from 3 submitters: Uncertain significance (3). Last evaluated 2026-02-01.

Conditions:
Epilepsy, familial focal, with variable foci 3 (FFEVF3). Identifiers: MedGen C4310708, MONDO:0014925, OMIM 617118.

Allele frequency attached by ClinVar (database versions not stated): gnomAD exomes 0.00001 and 0.00002; ExAC 0.00004.
gnomAD v4.1: 20 of 1,613,834 alleles (0.0012%); highest among the groups gnomAD compares: South Asian, 0.0055%; no homozygotes.

Submissions (3):

CeGaT Center for Human Genetics Tuebingen
Classification: Uncertain significance. Last evaluated: 2026-02-01. Review status: criteria provided, single submitter. Criteria: CeGaT Center For Human Genetics Tuebingen Variant Classification Criteria Version 2. Collection method: clinical testing. Allele origin: germline. Affected: yes. Observed: 1 variant allele.

Labcorp Genetics (formerly Invitae), Labcorp
Classification: Uncertain significance for Epilepsy, familial focal, with variable foci 3. Last evaluated: 2025-02-24. Review status: criteria provided, single submitter. Criteria: Invitae Variant Classification Sherloc (09022015). Collection method: clinical testing. Allele origin: germline.
Comment: This sequence change replaces alanine, which is neutral and non-polar, with valine, which is neutral and non-polar, at codon 302 of the NPRL3 protein (p.Ala302Val). This variant is present in population databases (rs777790535, gnomAD 0.006%). This variant has not been reported in the literature in individuals affected with NPRL3-related conditions. ClinVar contains an entry for this variant (Variation ID: 1009599). Invitae Evidence Modeling of protein sequence and biophysical properties (such as structural, functional, and spatial information, amino acid conservation, physicochemical variation, residue mobility, and thermodynamic stability) indicates that this missense variant is not expected to disrupt NPRL3 protein function with a negative predictive value of 80%. In summary, the available evidence is currently insufficient to determine the role of this variant in disease. Therefore, it has been classified as a Variant of Uncertain Significance.

New York Genome Center
Classification: Uncertain significance for Epilepsy, familial focal, with variable foci 3. Last evaluated: 2020-09-23. Review status: criteria provided, single submitter. Criteria: NYGC Assertion Criteria 2020. Collection method: clinical testing. Allele origin: inherited. Observed: 1 heterozygote. Study: CSER-NYCKidSeq.
Comment: The inherited c.905C>T, p.Ala302Val missense variant identified in the NPRL3 gene has not been reported in the literature. This variant has been reported in five individuals in the gnomAD v2.1 database, indicating this is not a common benign variant and in silico analysis predicts a deleterious effect (PMID:27268795). Based on the available evidence, the inherited variant c.905C>T, p.Ala302Val in the NPRL3 gene is classified as a Variant of Uncertain Significance.

NM_001077350.3(NPRL3):c.905C>T (p.Ala302Val)

Genes: HBA-LCR (alpha-globin locus control region; plus strand), NPRL3 (NPR3 like, GATOR1 complex subunit; minus strand). Cytogenetic location: 16p13.3.
Variant type: single nucleotide variant.
Coding change: c.905C>T on transcript NM_001077350.3 (MANE Select); coding-DNA position 905, C replaced by T.
Protein change: p.Ala302Val; replaces alanine 302 with valine.
Molecular consequence: missense variant.
Genome position (GRCh38, 1-based): chr16:98,164, G>A on the plus strand (C>T on the coding strand, the complement: NPRL3 is on the minus strand). VCF-style: chr16-98164-G-A. GRCh37 (hg19) VCF-style: chr16-148162-G-A.
Other names: c.368C>T, p.Ala123Val (NM_001039476.3); c.671C>T, p.Ala224Val (NM_001243247.2); c.830C>T, p.Ala277Val (NM_001243248.2, NM_001243249.2); short protein forms A123V, A224V, A277V, A302V.
Identifiers: ClinVar variation 1009599 (VCV001009599.14), dbSNP rs777790535, ClinGen allele CA7769514.
Genomic context (GRCh38, chr16:98,164, plus strand): 5'-GCACCGCCACATGCCACCCATCTGGGCCTCCAGAGCTATACCTGCAGCAAGGCCAGGTCC[G>A]CATCTTGGGCTAGCTGCTGCAGGTTCTTCACAGCAGATGTGGTCTTGATCACCCGCACTA-3'
Protein context (NP_001070818.1, residues 292-312): VKNLQQLAQD[Ala302Val]DLALLQVFQL